The following is an entry in ClinVar:

NM_005235.3(ERBB4):c.1069A>G (p.Ile357Val)

Gene: ERBB4 (erb-b2 receptor tyrosine kinase 4; minus strand). Cytogenetic location: 2q34.
Variant type: single nucleotide variant.
Coding change: c.1069A>G on transcript NM_005235.3 (MANE Select); coding-DNA position 1069, A replaced by G.
Protein change: p.Ile357Val; replaces isoleucine 357 with valine.
Molecular consequence: missense variant.
Genome position (GRCh38, 1-based): chr2:211,712,105, T>C on the plus strand (A>G on the coding strand, the complement: ERBB4 is on the minus strand). VCF-style: chr2-211712105-T-C. GRCh37 (hg19) VCF-style: chr2-212576830-T-C.
Other names: c.1069A>G, p.Ile357Val (NM_001042599.2); short protein forms I357V.
Identifiers: ClinVar variation 1921952 (VCV001921952.5), dbSNP rs779819962, ClinGen allele CA2088247.

ClinVar aggregate classification (germline): Uncertain significance (1 of 4 stars; one submission).

Allele frequency attached by ClinVar (database versions not stated): ExAC 0.00001; gnomAD 0.00001; gnomAD exomes 0.00001; TOPMed 0.00001.
gnomAD v4.1: 8 of 1,612,236 alleles (0.0005%); highest among the groups gnomAD compares: Admixed American, 0.013%; no homozygotes.

Submission:

Labcorp Genetics (formerly Invitae), Labcorp
Classification: Uncertain significance. Last evaluated: 2022-10-07. Review status: criteria provided, single submitter. Criteria: Invitae Variant Classification Sherloc (09022015). Collection method: clinical testing. Allele origin: germline.
Comment: In summary, the available evidence is currently insufficient to determine the role of this variant in disease. Therefore, it has been classified as a Variant of Uncertain Significance. Advanced modeling of protein sequence and biophysical properties (such as structural, functional, and spatial information, amino acid conservation, physicochemical variation, residue mobility, and thermodynamic stability) performed at Invitae indicates that this missense variant is not expected to disrupt ERBB4 protein function. This variant has not been reported in the literature in individuals affected with ERBB4-related conditions. This variant is present in population databases (rs779819962, gnomAD 0.02%). This sequence change replaces isoleucine, which is neutral and non-polar, with valine, which is neutral and non-polar, at codon 357 of the ERBB4 protein (p.Ile357Val).